The following is an entry in ClinVar:

NM_005862.3(STAG1):c.1118G>A (p.Arg373Gln)

Gene: STAG1 (STAG1 cohesin complex component; minus strand). Cytogenetic location: 3q22.3.
Variant type: single nucleotide variant.
Coding change: c.1118G>A on transcript NM_005862.3 (MANE Select); coding-DNA position 1118, G replaced by A.
Protein change: p.Arg373Gln; replaces arginine 373 with glutamine.
Molecular consequence: missense variant.
Genome position (GRCh38, 1-based): chr3:136,473,546, C>T on the plus strand (G>A on the coding strand, the complement: STAG1 is on the minus strand). VCF-style: chr3-136473546-C-T. GRCh37 (hg19) VCF-style: chr3-136192388-C-T.
Other names: short protein forms R373Q.
Identifiers: ClinVar variation 437899 (VCV000437899.11), dbSNP rs1376334317, ClinGen allele CA354651723.

ClinVar aggregate classification (germline): Pathogenic/Likely pathogenic. Review status: criteria provided, multiple submitters, no conflicts (2 of 4 stars). 6 submissions from 6 submitters: Pathogenic (2); Likely pathogenic (2). 2 of the submissions do not count toward it. Last evaluated 2022-10-11.

Conditions:
STAG1-related disorder. Also called: STAG1-related disorders.
Intellectual developmental disorder, autosomal dominant 47. Also called: MENTAL RETARDATION, AUTOSOMAL DOMINANT 47; Intellectual disability, autosomal dominant 47. Identifiers: Orphanet 502434, MedGen C4539951, MONDO:0030912, OMIM 617635.
Inborn genetic diseases. Identifiers: MedGen C0950123, MeSH D030342.

Submissions (6):

Labcorp Genetics (formerly Invitae), Labcorp
Classification: Pathogenic. Last evaluated: 2022-10-11. Review status: criteria provided, single submitter. Criteria: Invitae Variant Classification Sherloc (09022015). Collection method: clinical testing. Allele origin: germline.
Comment: For these reasons, this variant has been classified as Pathogenic. This sequence change replaces arginine, which is basic and polar, with glutamine, which is neutral and polar, at codon 373 of the STAG1 protein (p.Arg373Gln). This variant is not present in population databases (gnomAD no frequency). This missense change has been observed in individual(s) with STAG1-related conditions (PMID: 28119487). In at least one individual the variant was observed to be de novo. ClinVar contains an entry for this variant (Variation ID: 437899). Advanced modeling of protein sequence and biophysical properties (such as structural, functional, and spatial information, amino acid conservation, physicochemical variation, residue mobility, and thermodynamic stability) performed at Invitae indicates that this missense variant is expected to disrupt STAG1 protein function.

3billion
Classification: Pathogenic for Intellectual developmental disorder, autosomal dominant 47. Last evaluated: 2021-10-02. Review status: criteria provided, single submitter. Criteria: ACMG Guidelines, 2015. Collection method: clinical testing. Allele origin: germline. Affected: yes. Observed: 1 heterozygote.
Comment: Same nucleotide change resulting in same amino acid change has been previously reported as de novoo in similarly affected individual (PMID: 28119487, PS2).The missense variant is located in a mutational hot spot and/or well-established functional domain in which established pathogenic variants have been reported (PM1). It is not observed in the gnomAD v2.1.1 dataset (PM2). The variant was observed as assumed (i.e. paternity and maternity not confirmed) de novoo (3billion dataset, PM6). In silico tool predictions suggest damaging effect of the variant on gene or gene product (3Cnet: 0.963, PP3). Therefore, this variant is classified as pathogenic according to the recommendation of ACMG/AMP guideline.

Baylor Genetics
Classification: Likely pathogenic for Intellectual developmental disorder, autosomal dominant 47. Last evaluated: 2020-05-21. Review status: criteria provided, single submitter. Criteria: ACMG Guidelines, 2015. Collection method: clinical testing. Allele origin: de novo. Affected: yes.
Comment: This variant was determined to be likely pathogenic according to ACMG Guidelines, 2015 [PMID:25741868].

Ambry Genetics
Classification: Likely pathogenic for Inborn genetic diseases. Last evaluated: 2017-09-29. Review status: criteria provided, single submitter. Criteria: Ambry exome assertion method (8-5-2015). Collection method: clinical testing. Allele origin: germline. Affected: yes. Observed: 1 variant allele.

OMIM
Classification: Pathogenic for INTELLECTUAL DEVELOPMENTAL DISORDER, AUTOSOMAL DOMINANT 47. Last evaluated: 2022-04-25. Review status: no assertion criteria provided. Collection method: literature only. Allele origin: germline. Not counted in ClinVar's aggregate classification.

Equipe Genetique des Anomalies du Developpement, Université de Bourgogne
Classification: Likely pathogenic for STAG1-related disorder. Last evaluated: 2016-12-20. Review status: no assertion criteria provided. Collection method: clinical testing. Allele origin: de novo. Affected: yes. Not counted in ClinVar's aggregate classification.

Literature cited by the submitters: PubMed 28119487 (cited by 4 submitters); PubMed 25748820 (cited by Ambry Genetics).